The following is an entry in ClinVar:

ClinVar aggregate classification (germline): Likely benign (1 of 4 stars; one submission).

Submission:

CeGaT Center for Human Genetics Tuebingen
Classification: Likely benign. Last evaluated: 2026-04-01. Review status: criteria provided, single submitter. Criteria: CeGaT Center For Human Genetics Tuebingen Variant Classification Criteria Version 2. Collection method: clinical testing. Allele origin: germline. Affected: yes. Observed: 3 variant alleles.
Comment: PRG4: BP4, BP7

NM_005807.6(PRG4):c.1668C>T (p.Thr556=)

Gene: PRG4 (proteoglycan 4; plus strand). Cytogenetic location: 1q31.1.
Variant type: single nucleotide variant.
Coding change: c.1668C>T on transcript NM_005807.6 (MANE Select); coding-DNA position 1668, C replaced by T.
Protein change: p.Thr556=; no amino-acid change (threonine 556 retained).
Molecular consequence: synonymous variant.
Genome position (GRCh38, 1-based): chr1:186,307,387, C>T. VCF-style: chr1-186307387-C-T. GRCh37 (hg19) VCF-style: chr1-186276519-C-T.
Other names: c.1545C>T, p.Thr515= (NM_001127708.3); c.1389C>T, p.Thr463= (NM_001127709.3); c.1266C>T, p.Thr422= (NM_001127710.3); c.1539C>T, p.Thr513= (NM_001303232.2).
Identifiers: ClinVar variation 2639656 (VCV002639656.24), dbSNP rs1339978614, ClinGen allele CA422515393.